The following is an entry in ClinVar:

ClinVar aggregate classification (germline): Conflicting classifications of pathogenicity. Review status: criteria provided, conflicting classifications (1 of 4 stars). 2 submissions from 2 submitters: Uncertain significance (1); Likely benign (1). Last evaluated 2025-01-20.

Allele frequency attached by ClinVar (database versions not stated): gnomAD exomes 0.00010; ExAC 0.00013; ESP Exome Variant Server 0.00028; gnomAD 0.00029; TOPMed 0.00049; 1000 Genomes Project 0.00053; 1000 Genomes Project 30x 0.00062.
gnomAD v4.1: 165 of 1,208,284 alleles (0.014%); highest among the groups gnomAD compares: Middle Eastern, 0.14%; no homozygotes.

Submissions (2):

Ambry Genetics
Classification: Uncertain significance. Last evaluated: 2025-01-20. Review status: criteria provided, single submitter. Criteria: Ambry Variant Classification Scheme 2023. Collection method: clinical testing. Allele origin: germline.

CeGaT Center for Human Genetics Tuebingen
Classification: Likely benign. Last evaluated: 2023-03-01. Review status: criteria provided, single submitter. Criteria: CeGaT Center For Human Genetics Tuebingen Variant Classification Criteria Version 2. Collection method: clinical testing. Allele origin: germline. Affected: yes. Observed: 1 variant allele.
Comment: SHROOM2: BP4, BS2

NM_001649.4(SHROOM2):c.1178C>A (p.Ala393Glu)

Gene: SHROOM2 (shroom family member 2; plus strand). Cytogenetic location: Xp22.2.
Variant type: single nucleotide variant.
Coding change: c.1178C>A on transcript NM_001649.4 (MANE Select); coding-DNA position 1178, C replaced by A.
Protein change: p.Ala393Glu; replaces alanine 393 with glutamic acid.
Molecular consequence: missense variant.
Genome position (GRCh38, 1-based): chrX:9,895,086, C>A. VCF-style: chrX-9895086-C-A. GRCh37 (hg19) VCF-style: chrX-9863126-C-A.
Other names: short protein forms A393E.
Identifiers: ClinVar variation 2371938 (VCV002371938.27), dbSNP rs201195196, ClinGen allele CA10345346.